The following is an entry in ClinVar:

NM_000512.5(GALNS):c.633+125A>G

Gene: GALNS (galactosamine (N-acetyl)-6-sulfatase; minus strand). Cytogenetic location: 16q24.3.
Variant type: single nucleotide variant.
Coding change: c.633+125A>G on transcript NM_000512.5 (MANE Select); 125 bases into the intron after coding-DNA position 633, A replaced by G.
Molecular consequence: intron variant.
Genome position (GRCh38, 1-based): chr16:88,836,076, T>C on the plus strand (A>G on the coding strand, the complement: GALNS is on the minus strand). VCF-style: chr16-88836076-T-C. GRCh37 (hg19) VCF-style: chr16-88902484-T-C.
Other names: c.78+125A>G (NM_001323543.2); c.651+125A>G (NM_001323544.2).
Identifiers: ClinVar variation 684016 (VCV000684016.1), dbSNP rs2269334, ClinGen allele CA14258012.

ClinVar aggregate classification (germline): Benign (1 of 4 stars; one submission).

Allele frequency attached by ClinVar (database versions not stated): gnomAD 0.38828 and 0.39326; TOPMed 0.40510; 1000 Genomes Project 30x 0.45565; 1000 Genomes Project 0.46006.

Submission:

GeneDx
Classification: Benign. Last evaluated: 2018-06-19. Review status: criteria provided, single submitter. Criteria: GeneDx Variant Classification (06012015). Collection method: clinical testing. Allele origin: germline. Affected: yes.
Comment: This variant is considered likely benign or benign based on one or more of the following criteria: it is a conservative change, it occurs at a poorly conserved position in the protein, it is predicted to be benign by multiple in silico algorithms, and/or has population frequency not consistent with disease.